The following is an entry in ClinVar:

ClinVar aggregate classification (germline): Likely pathogenic (1 of 4 stars; one submission).

Conditions:
Duchenne muscular dystrophy (DMD). Also called: MUSCULAR DYSTROPHY, PSEUDOHYPERTROPHIC PROGRESSIVE, DUCHENNE TYPE; Duchenne Muscular Dystrophy (DMD). Identifiers: Orphanet 98896, MedGen C0013264, MONDO:0010679, OMIM 310200.

Submission:

3billion
Classification: Likely pathogenic for Duchenne muscular dystrophy. Last evaluated: 2022-03-22. Review status: criteria provided, single submitter. Criteria: ACMG Guidelines, 2015. Collection method: clinical testing. Allele origin: germline. Affected: yes. Observed: 1 hemizygote.
Comment: Frameshift: predicted to result in a loss or disruption of normal protein function through nonsense-mediated decay (NMD) or protein truncation. Multiple pathogenic variants are reported downstream of the variant.It is not observed in the gnomAD v2.1.1 dataset. Therefore, this variant is classified as likely pathogenic according to the recommendation of ACMG/AMP guideline.

NM_004006.3(DMD):c.5656dup (p.Ala1886fs)

Gene: DMD (dystrophin; minus strand). Cytogenetic location: Xp21.1.
Variant type: Duplication.
Coding change: c.5656dup on transcript NM_004006.3 (MANE Select); coding-DNA position 5656, one base duplicated (G; older notation c.5656dupG).
Protein change: p.Ala1886fs; shifts the reading frame from alanine 1886.
Molecular consequence: frameshift variant.
Genome position (GRCh38, 1-based): chrX:32,343,217, C duplicated on the plus strand (G on the coding strand, the reverse complement: DMD is on the minus strand); the first of 2 consecutive C bases (chrX:32,343,217-32,343,218); duplicating either gives the same sequence. VCF-style (leftmost placement, unchanged base first): chrX-32343216-G-GC. GRCh37 (hg19) VCF-style: chrX-32361333-G-GC.
Other names: c.5632dup, p.Ala1878fs (NM_000109.4); c.5644dup, p.Ala1882fs (NM_004009.3); c.5287dup, p.Ala1763fs (NM_004010.3); c.1633dup, p.Ala545fs (NM_004011.4); c.1624dup, p.Ala542fs (NM_004012.4); short protein forms A1763fs, A1878fs, A1882fs, A1886fs, A542fs, A545fs.
Identifiers: ClinVar variation 1526030 (VCV001526030.1), dbSNP rs2146991528, ClinGen allele CA2573158787.